The following is an entry in ClinVar:

NM_000098.3(CPT2):c.1927del (p.Ala643fs)

Gene: CPT2 (carnitine palmitoyltransferase 2; plus strand). Cytogenetic location: 1p32.3.
Variant type: Deletion.
Coding change: c.1927del on transcript NM_000098.3 (MANE Select); coding-DNA position 1927, one base deleted (G; older notation c.1927delG).
Protein change: p.Ala643fs; shifts the reading frame from alanine 643.
Molecular consequence: frameshift variant.
Genome position (GRCh38, 1-based): chr1:53,213,545, G deleted; the last of 2 consecutive G bases (chr1:53,213,544-53,213,545); deleting either gives the same sequence. VCF-style (leftmost placement, unchanged base first): chr1-53213543-AG-A. GRCh37 (hg19) VCF-style: chr1-53679215-AG-A.
Other names: c.1858del, p.Ala620fs (NM_001330589.2); short protein forms A620fs, A643fs.
Identifiers: ClinVar variation 1455265 (VCV001455265.8), dbSNP rs2100279176, ClinGen allele CA2573131949.

ClinVar aggregate classification (germline): Pathogenic (1 of 4 stars; one submission).

Conditions:
Carnitine palmitoyltransferase II deficiency. Also called: Carnitine Palmitoyltransferase 2 Deficiency. Identifiers: Orphanet 157, MedGen C0342790, MONDO:0015515.

Submission:

Labcorp Genetics (formerly Invitae), Labcorp
Classification: Pathogenic for Carnitine palmitoyltransferase II deficiency. Last evaluated: 2021-06-06. Review status: criteria provided, single submitter. Criteria: Invitae Variant Classification Sherloc (09022015). Collection method: clinical testing. Allele origin: germline.
Comment: This variant disrupts the C-terminus of the CPT2 protein. Other variant(s) that disrupt this region (p.Glu645Argfs*5) have been determined to be pathogenic (PMID: 17936304, 21913903). This suggests that variants that disrupt this region of the protein are likely to be causative of disease. This sequence change creates a premature translational stop signal (p.Ala643Profs*2) in the CPT2 gene. While this is not anticipated to result in nonsense mediated decay, it is expected to disrupt the last 16 amino acid(s) of the CPT2 protein. This variant is not present in population databases (ExAC no frequency). This variant has not been reported in the literature in individuals with CPT2-related conditions. For these reasons, this variant has been classified as Pathogenic.

Literature cited by the submitters: PubMed 17936304; PubMed 21913903.